The following is an entry in ClinVar:

ClinVar aggregate classification (germline): Uncertain significance. Review status: criteria provided, multiple submitters, no conflicts (2 of 4 stars). 3 submissions from 3 submitters: Uncertain significance (3). Last evaluated 2022-05-03.

Conditions:
Propionic acidemia (PROP). Also called: GLYCINEMIA, KETOTIC; HYPERGLYCINEMIA WITH KETOACIDOSIS AND LEUKOPENIA; KETOTIC HYPERGLYCINEMIA. Identifiers: Orphanet 35, MedGen C0268579, MONDO:0011628, OMIM 606054, HP:0003571.

Allele frequency attached by ClinVar (database versions not stated): gnomAD exomes 0.00001; TOPMed 0.00002.
gnomAD v4.1: 8 of 1,611,618 alleles (0.0005%); highest among the groups gnomAD compares: African/African-American, 0.0053%; no homozygotes.

Submissions (3):

Women's Health and Genetics/Laboratory Corporation of America, LabCorp
Classification: Uncertain significance. Last evaluated: 2022-05-03. Review status: criteria provided, single submitter. Criteria: LabCorp Variant Classification Summary - May 2015. Collection method: clinical testing. Allele origin: germline.

Labcorp Genetics (formerly Invitae), Labcorp
Classification: Uncertain significance for Propionic acidemia. Last evaluated: 2022-03-18. Review status: criteria provided, single submitter. Criteria: Invitae Variant Classification Sherloc (09022015). Collection method: clinical testing. Allele origin: germline.
Comment: This sequence change replaces arginine, which is basic and polar, with glutamine, which is neutral and polar, at codon 61 of the PCCB protein (p.Arg61Gln). This variant is present in population databases (no rsID available, gnomAD 0.007%). This variant has not been reported in the literature in individuals affected with PCCB-related conditions. ClinVar contains an entry for this variant (Variation ID: 902305). Algorithms developed to predict the effect of missense changes on protein structure and function are either unavailable or do not agree on the potential impact of this missense change (SIFT: "Deleterious"; PolyPhen-2: "Benign"; Align-GVGD: "Class C35"). Algorithms developed to predict the effect of sequence changes on RNA splicing suggest that this variant may disrupt the consensus splice site. In summary, the available evidence is currently insufficient to determine the role of this variant in disease. Therefore, it has been classified as a Variant of Uncertain Significance.

Illumina Laboratory Services, Illumina
Classification: Uncertain significance for Propionic acidemia. Last evaluated: 2018-01-13. Review status: criteria provided, single submitter. Criteria: ICSL Variant Classification Criteria 13 December 2019. Collection method: clinical testing. Allele origin: germline.

NM_000532.5(PCCB):c.182G>A (p.Arg61Gln)

Gene: PCCB (propionyl-CoA carboxylase subunit beta; plus strand). Cytogenetic location: 3q22.3.
Variant type: single nucleotide variant.
Coding change: c.182G>A on transcript NM_000532.5 (MANE Select); coding-DNA position 182, G replaced by A.
Protein change: p.Arg61Gln; replaces arginine 61 with glutamine.
Molecular consequence: missense variant.
Genome position (GRCh38, 1-based): chr3:136,250,557, G>A. VCF-style: chr3-136250557-G-A. GRCh37 (hg19) VCF-style: chr3-135969399-G-A.
Other names: c.182G>A, p.Arg61Gln (NM_001178014.2); short protein forms R61Q.
Identifiers: ClinVar variation 902305 (VCV000902305.6), dbSNP rs909550005, ClinGen allele CA84265583.